The following is an entry in ClinVar:

NM_152419.3(HGSNAT):c.74_75del (p.Pro25fs)

Genes: HGSNAT (heparan-alpha-glucosaminide N-acetyltransferase; plus strand), LOC130000316 (ATAC-STARR-seq lymphoblastoid silent region 19164; plus strand). Cytogenetic location: 8p11.21.
Variant type: Deletion.
Coding change: c.74_75del on transcript NM_152419.3 (MANE Select); coding-DNA positions 74 to 75, 2 bases deleted (CC; older notation c.74_75delCC).
Protein change: p.Pro25fs; shifts the reading frame from proline 25.
Molecular consequence: frameshift variant. On other transcripts: 5 prime UTR variant (1).
Genome position (GRCh38, 1-based): chr8:43,140,570-43,140,571, CC deleted; deleting any 2 consecutive bases within chr8:43,140,567-43,140,571 gives the same sequence; the c. name uses the placement nearest the transcript's 3' end. VCF-style (leftmost placement, unchanged base first): chr8-43140566-GCC-G. GRCh37 (hg19) VCF-style: chr8-42995709-GCC-G.
Other names: c.74_75del, p.Pro25fs (NM_001363227.2, NM_001363228.2); c.-760_-759del (NM_001363229.2); short protein forms P25fs.
Identifiers: ClinVar variation 2944721 (VCV002944721.3), dbSNP rs1802481729, ClinGen allele CA2687149785.
Genomic context (GRCh38, chr8:43,140,566, plus strand): 5'-GCGGGCAGGGCGCTGGCCGCGCTGCTGCTGGCCGCGTCCGTGCTGAGCGCCGCGCTGCTG[GCC>G]CCCGGCGGCTCTTCGGGGCGCGATGCCCAGGCCGCGCCGCCACGAGGTGAGTGCACACCT-3'

ClinVar aggregate classification (germline): Pathogenic (1 of 4 stars; one submission).

Conditions:
Retinitis pigmentosa 73 (RP73). Identifiers: Orphanet 791, MedGen C4225287, MONDO:0014687, OMIM 616544.
Mucopolysaccharidosis, MPS-III-C (MPS3C). Also called: SANFILIPPO SYNDROME C; MPS III C; Mucopolysaccharidosis type IIIC (Sanfilippo C); MUCOPOLYSACCHARIDOSIS, TYPE IIIC; mucopolysaccharidosis type 3C; MPS IIIC (Sanfilippo Syndrome Type C). Identifiers: Orphanet 581, Orphanet 79271, MedGen C0086649, MONDO:0009657, OMIM 252930.

Submission:

Labcorp Genetics (formerly Invitae), Labcorp
Classification: Pathogenic for Retinitis pigmentosa 73; Mucopolysaccharidosis, MPS-III-C. Last evaluated: 2023-02-25. Review status: criteria provided, single submitter. Criteria: Invitae Variant Classification Sherloc (09022015). Collection method: clinical testing. Allele origin: germline.
Comment: This sequence change creates a premature translational stop signal (p.Pro25Argfs*35) in the HGSNAT gene. It is expected to result in an absent or disrupted protein product. Loss-of-function variants in HGSNAT are known to be pathogenic (PMID: 17033958, 19479962). This variant is not present in population databases (gnomAD no frequency). This variant has not been reported in the literature in individuals affected with HGSNAT-related conditions. For these reasons, this variant has been classified as Pathogenic.

Literature cited by the submitters: PubMed 17033958; PubMed 19479962.